The following is an entry in ClinVar:

ClinVar aggregate classification (germline): Benign/Likely benign. Review status: criteria provided, multiple submitters, no conflicts (2 of 4 stars). 12 submissions from 12 submitters: Benign (3); Likely benign (7). 2 of the submissions do not count toward it. Last evaluated 2025-11-23.

Conditions:
Microcephaly 2, primary, autosomal recessive, with or without cortical malformations. Also called: WDR62 Primary Microcephaly; MICROCEPHALY 2, PRIMARY, AUTOSOMAL RECESSIVE, WITH CORTICAL MALFORMATIONS. Identifiers: Orphanet 2512, MedGen C1858535, MONDO:0011435, OMIM 604317.

Allele frequency attached by ClinVar (database versions not stated): 1000 Genomes Project 0.00120; 1000 Genomes Project 30x 0.00125; TOPMed 0.00193; ExAC 0.00201; gnomAD exomes 0.00210 and 0.00339; gnomAD 0.00214 and 0.00215; ESP Exome Variant Server 0.00338.
gnomAD v4.1: 5,256 of 1,613,760 alleles (0.33%); highest among the groups gnomAD compares: Non-Finnish European, 0.4%; 9 homozygotes.

Submissions (30):

Labcorp Genetics (formerly Invitae), Labcorp
Classification: Benign. Last evaluated: 2025-11-23. Review status: criteria provided, single submitter. Criteria: Invitae Variant Classification Sherloc (09022015). Collection method: clinical testing. Allele origin: germline.

Mayo Clinic Laboratories, Mayo Clinic
Classification: Likely benign. Last evaluated: 2025-07-16. Review status: criteria provided, single submitter. Criteria: ACMG Guidelines, 2015. Collection method: clinical testing. Allele origin: germline. Observed: 3 variant alleles.
Comment: BS2, BP4, BP7

Athena Diagnostics
Classification: Likely benign. Last evaluated: 2025-01-15. Review status: criteria provided, single submitter. Criteria: Athena Diagnostics Criteria. Collection method: clinical testing. Allele origin: unknown.
Comment: The frequency of this variant in the general population is higher than would generally be expected for pathogenic variants in this gene. Computational tools yielded predictions that this variant may interfere with normal RNA splicing.

Blueprint Genetics
Classification: Likely benign. Last evaluated: 2024-11-23. Review status: criteria provided, single submitter. Criteria: ACMG Guidelines, 2015. Collection method: clinical testing. Allele origin: germline.

CeGaT Center for Human Genetics Tuebingen
Classification: Likely benign. Last evaluated: 2024-10-01. Review status: criteria provided, single submitter. Criteria: CeGaT Center For Human Genetics Tuebingen Variant Classification Criteria Version 2. Collection method: clinical testing. Allele origin: germline. Affected: yes. Observed: 10 variant alleles.
Comment: WDR62: BP4, BS2

Genome-Nilou Lab
Classification: Benign for Microcephaly 2, primary, autosomal recessive, with or without cortical malformations. Last evaluated: 2021-12-05. Review status: criteria provided, single submitter. Criteria: ACMG Guidelines, 2015. Collection method: clinical testing. Allele origin: germline. Affected: no.

GeneDx
Classification: Benign. Last evaluated: 2018-03-21. Review status: criteria provided, single submitter. Criteria: GeneDx Variant Classification Process June 2021. Collection method: clinical testing. Allele origin: germline. Affected: yes.

Illumina Laboratory Services, Illumina
Classification: Likely benign for Microcephaly 2, primary, autosomal recessive, with or without cortical malformations. Last evaluated: 2018-01-13. Review status: criteria provided, single submitter. Criteria: ICSL Variant Classification Criteria 13 December 2019. Collection method: clinical testing. Allele origin: germline.
Comment: This variant was observed in the ICSL laboratory as part of a predisposition screen in an ostensibly healthy population. It had not been previously curated by ICSL or reported in the Human Gene Mutation Database (HGMD: prior to June 1st, 2018), and was therefore a candidate for classification through an automated scoring system. Utilizing variant allele frequency, disease prevalence and penetrance estimates, and inheritance mode, an automated score was calculated to assess if this variant is too frequent to cause the disease. Based on the score and internal cut-off values, a variant classified as likely benign is not then subjected to further curation. The score for this variant resulted in a classification of likely benign for this disease.

Eurofins Ntd Llc (ga)
Classification: Likely benign. Last evaluated: 2014-04-08. Review status: criteria provided, single submitter. Criteria: EGL Classification Definitions 2015. Collection method: clinical testing. Allele origin: germline. Observed: 1 variant allele, 1 heterozygote.

Genetic Services Laboratory, University of Chicago
Classification: Likely benign. Last evaluated: 2013-08-02. Review status: criteria provided, single submitter. Criteria: ACMG Guidelines, 2007. Collection method: clinical testing. Allele origin: germline. Inheritance: Autosomal recessive inheritance.

Clinical Genetics DNA and cytogenetics Diagnostics Lab, Erasmus MC, Erasmus Medical Center
Classification: Uncertain significance. Review status: no assertion criteria provided. Collection method: clinical testing. Allele origin: germline. Affected: yes. Study: VKGL Data-share Consensus. Not counted in ClinVar's aggregate classification.

Dr. Peter K. Rogan Lab, Western University
No classification provided (evidence only). Condition: Lung cancer. Review status: no classification provided. Collection method: in vitro. Allele origin: not applicable. Functional consequence: retained intron. Not counted in ClinVar's aggregate classification.

Dr. Peter K. Rogan Lab, Western University
No classification provided (evidence only). Condition: Lung cancer. Review status: no classification provided. Collection method: in vitro. Allele origin: not applicable. Functional consequence: retained intron. Not counted in ClinVar's aggregate classification.

Dr. Peter K. Rogan Lab, Western University
No classification provided (evidence only). Condition: Familial cancer of breast. Review status: no classification provided. Collection method: in vitro. Allele origin: not applicable. Functional consequence: retained intron. Not counted in ClinVar's aggregate classification.

Dr. Peter K. Rogan Lab, Western University
No classification provided (evidence only). Condition: Acute myeloid leukemia. Review status: no classification provided. Collection method: in vitro. Allele origin: not applicable. Functional consequence: retained intron. Not counted in ClinVar's aggregate classification.

Dr. Peter K. Rogan Lab, Western University
No classification provided (evidence only). Condition: Acute myeloid leukemia. Review status: no classification provided. Collection method: in vitro. Allele origin: not applicable. Functional consequence: retained intron. Not counted in ClinVar's aggregate classification.

Dr. Peter K. Rogan Lab, Western University
No classification provided (evidence only). Condition: Colon adenocarcinoma. Review status: no classification provided. Collection method: in vitro. Allele origin: not applicable. Functional consequence: retained intron. Not counted in ClinVar's aggregate classification.

Dr. Peter K. Rogan Lab, Western University
No classification provided (evidence only). Condition: Cervical cancer. Review status: no classification provided. Collection method: in vitro. Allele origin: not applicable. Functional consequence: retained intron. Not counted in ClinVar's aggregate classification.

Dr. Peter K. Rogan Lab, Western University
No classification provided (evidence only). Condition: Cervical cancer. Review status: no classification provided. Collection method: in vitro. Allele origin: not applicable. Functional consequence: retained intron. Not counted in ClinVar's aggregate classification.

Dr. Peter K. Rogan Lab, Western University
No classification provided (evidence only). Condition: Cervical cancer. Review status: no classification provided. Collection method: in vitro. Allele origin: not applicable. Functional consequence: retained intron. Not counted in ClinVar's aggregate classification.

Dr. Peter K. Rogan Lab, Western University
No classification provided (evidence only). Condition: Nonpapillary renal cell carcinoma. Review status: no classification provided. Collection method: in vitro. Allele origin: not applicable. Functional consequence: retained intron. Not counted in ClinVar's aggregate classification.

Dr. Peter K. Rogan Lab, Western University
No classification provided (evidence only). Condition: Thymoma. Review status: no classification provided. Collection method: in vitro. Allele origin: not applicable. Functional consequence: retained intron. Not counted in ClinVar's aggregate classification.

Dr. Peter K. Rogan Lab, Western University
No classification provided (evidence only). Condition: Thymoma. Review status: no classification provided. Collection method: in vitro. Allele origin: not applicable. Functional consequence: retained intron. Not counted in ClinVar's aggregate classification.

Dr. Peter K. Rogan Lab, Western University
No classification provided (evidence only). Condition: Ovarian serous cystadenocarcinoma. Review status: no classification provided. Collection method: in vitro. Allele origin: not applicable. Functional consequence: retained intron. Not counted in ClinVar's aggregate classification.

Dr. Peter K. Rogan Lab, Western University
No classification provided (evidence only). Condition: Ovarian serous cystadenocarcinoma. Review status: no classification provided. Collection method: in vitro. Allele origin: not applicable. Functional consequence: retained intron. Not counted in ClinVar's aggregate classification.

Dr. Peter K. Rogan Lab, Western University
No classification provided (evidence only). Condition: Ovarian serous cystadenocarcinoma. Review status: no classification provided. Collection method: in vitro. Allele origin: not applicable. Functional consequence: retained intron. Not counted in ClinVar's aggregate classification.

Dr. Peter K. Rogan Lab, Western University
No classification provided (evidence only). Condition: Gastric cancer. Review status: no classification provided. Collection method: in vitro. Allele origin: not applicable. Functional consequence: retained intron. Not counted in ClinVar's aggregate classification.

Dr. Peter K. Rogan Lab, Western University
No classification provided (evidence only). Condition: Gastric cancer. Review status: no classification provided. Collection method: in vitro. Allele origin: not applicable. Functional consequence: retained intron. Not counted in ClinVar's aggregate classification.

Dr. Peter K. Rogan Lab, Western University
No classification provided (evidence only). Condition: Lymphoma. Review status: no classification provided. Collection method: in vitro. Allele origin: not applicable. Functional consequence: retained intron. Not counted in ClinVar's aggregate classification.

Joint Genome Diagnostic Labs from Nijmegen and Maastricht, Radboudumc and MUMC+
Classification: Uncertain significance. Review status: no assertion criteria provided. Collection method: clinical testing. Allele origin: germline. Affected: yes. Study: VKGL Data-share Consensus. Not counted in ClinVar's aggregate classification.

NM_001083961.2(WDR62):c.4312-5T>G

Gene: WDR62 (WD repeat domain 62; plus strand). Cytogenetic location: 19q13.12.
Variant type: single nucleotide variant.
Coding change: c.4312-5T>G on transcript NM_001083961.2 (MANE Select); 5 bases into the intron before coding-DNA position 4312, T replaced by G.
Molecular consequence: intron variant.
Genome position (GRCh38, 1-based): chr19:36,104,763, T>G. VCF-style: chr19-36104763-T-G. GRCh37 (hg19) VCF-style: chr19-36595665-T-G.
Other names: p.?; c.4297-5T>G (NM_173636.5).
Identifiers: ClinVar variation 160302 (VCV000160302.71), dbSNP rs182467995, ClinGen allele CA173943.